The following is an entry in ClinVar:

ClinVar aggregate classification (germline): Uncertain significance (1 of 4 stars; one submission).

Conditions:
Charcot-Marie-Tooth disease axonal type 2F (CMT2F). Also called: CHARCOT-MARIE-TOOTH DISEASE, NEURONAL, TYPE 2F; Charcot-Marie-Tooth Neuropathy Type 2F. Identifiers: Orphanet 99940, MedGen C1847823, MONDO:0011687, OMIM 606595.

Submission:

Center for Human Genetics and Genomic Medicine, Uniklinik Rwth Aachen
Classification: Uncertain significance for Charcot-Marie-Tooth disease axonal type 2F. Last evaluated: 2023-08-29. Review status: criteria provided, single submitter. Criteria: ACMG Guidelines, 2015. Collection method: clinical testing. Allele origin: unknown. Inheritance: Autosomal dominant inheritance. Affected: yes. Observed: 1 heterozygote.
Comment: The variant is absent from healthy controls (gnomAD v2.1.1) and has not been reported in HSPB1-related disease. Bioinformatics prediction tools support a deleterious effect on the gene or gene product. Therefore, this variant has been classified as variant of uncertain significance.

NM_001540.5(HSPB1):c.293C>G (p.Ser98Cys)

Gene: HSPB1 (heat shock protein family B (small) member 1; plus strand). Cytogenetic location: 7q11.23.
Variant type: single nucleotide variant.
Coding change: c.293C>G on transcript NM_001540.5 (MANE Select); coding-DNA position 293, C replaced by G.
Protein change: p.Ser98Cys; replaces serine 98 with cysteine.
Molecular consequence: missense variant.
Genome position (GRCh38, 1-based): chr7:76,303,005, C>G. VCF-style: chr7-76303005-C-G. GRCh37 (hg19) VCF-style: chr7-75932322-C-G.
Other names: short protein forms S98C.
Identifiers: ClinVar variation 2664085 (VCV002664085.1), dbSNP rs1347719182, ClinGen allele CA367763334.